The following is an entry in ClinVar:

NM_001042492.3(NF1):c.852A>G (p.Ile284Met)

Gene: NF1 (neurofibromin 1; plus strand). Cytogenetic location: 17q11.2.
Variant type: single nucleotide variant.
Coding change: c.852A>G on transcript NM_001042492.3 (MANE Select); coding-DNA position 852, A replaced by G.
Protein change: p.Ile284Met; replaces isoleucine 284 with methionine.
Molecular consequence: missense variant.
Genome position (GRCh38, 1-based): chr17:31,182,629, A>G. VCF-style: chr17-31182629-A-G. GRCh37 (hg19) VCF-style: chr17-29509647-A-G.
Other names: c.852A>G, p.Ile284Met (NM_000267.4, NM_001128147.3); short protein forms I284M.
Identifiers: ClinVar variation 579246 (VCV000579246.14), dbSNP rs1567826762, ClinGen allele CA398991132.

ClinVar aggregate classification (germline): Uncertain significance. Review status: criteria provided, multiple submitters, no conflicts (2 of 4 stars). 3 submissions from 3 submitters: Uncertain significance (3). Last evaluated 2026-07-19.

Conditions:
Neurofibromatosis, type 1 (NF1). Also called: VON RECKLINGHAUSEN DISEASE; Neurofibromatosis, type I; Peripheral type neurofibromatosis; NEUROFIBROMATOSIS, TYPE I, SOMATIC. Identifiers: Orphanet 636, MedGen C0027831, MONDO:0018975, OMIM 162200. Disease mechanism: loss of function.
Hereditary cancer-predisposing syndrome. Also called: Neoplastic Syndromes, Hereditary; Hereditary Cancer Syndrome; Hereditary neoplastic syndrome; Tumor predisposition. Identifiers: Orphanet 140162, MedGen C0027672, MeSH D009386, MONDO:0015356.
Cardiovascular phenotype. Identifiers: MedGen CN230736.

Submissions (3):

Ambry Genetics
Classification: Uncertain significance for Cardiovascular phenotype; Hereditary cancer-predisposing syndrome. Last evaluated: 2026-07-19. Review status: criteria provided, single submitter. Criteria: Ambry Variant Classification Scheme 2023. Collection method: clinical testing. Allele origin: germline.

Genome-Nilou Lab
Classification: Uncertain significance for Neurofibromatosis, type 1. Last evaluated: 2022-03-15. Review status: criteria provided, single submitter. Criteria: ACMG Guidelines, 2015. Collection method: clinical testing. Allele origin: germline. Affected: no.

Labcorp Genetics (formerly Invitae), Labcorp
Classification: Uncertain significance for Neurofibromatosis, type 1. Last evaluated: 2019-10-15. Review status: criteria provided, single submitter. Criteria: Invitae Variant Classification Sherloc (09022015). Collection method: clinical testing. Allele origin: germline.
Comment: In summary, the available evidence is currently insufficient to determine the role of this variant in disease. Therefore, it has been classified as a Variant of Uncertain Significance. Algorithms developed to predict the effect of missense changes on protein structure and function do not agree on the potential impact of this missense change (SIFT: "Deleterious"; PolyPhen-2: "Benign"; Align-GVGD: "Class C0"). This variant has not been reported in the literature in individuals with NF1-related disease. This variant is not present in population databases (ExAC no frequency). This sequence change replaces isoleucine with methionine at codon 284 of the NF1 protein (p.Ile284Met). The isoleucine residue is highly conserved and there is a small physicochemical difference between isoleucine and methionine.